The following is an entry in ClinVar:

ClinVar aggregate classification (germline): Likely benign. Review status: criteria provided, multiple submitters, no conflicts (2 of 4 stars). 2 submissions from 2 submitters: Likely benign (2). Last evaluated 2025-02-25.

Conditions:
Breast-ovarian cancer, familial, susceptibility to, 4. Identifiers: Orphanet 145, MedGen C3280345, MONDO:0013669, OMIM 614291.

Allele frequency attached by ClinVar (database versions not stated): gnomAD exomes below 0.00001.

Submissions (2):

Myriad Genetics, Inc.
Classification: Likely benign for Breast-ovarian cancer, familial, susceptibility to, 4. Last evaluated: 2025-02-25. Review status: criteria provided, single submitter. Criteria: Myriad Autosomal Dominant, Autosomal Recessive and X-Linked Classification Criteria (2023). Collection method: clinical testing. Allele origin: unknown.
Comment: This variant is considered likely benign. This variant is intronic and is not expected to impact mRNA splicing.

Labcorp Genetics (formerly Invitae), Labcorp
Classification: Likely benign for Breast-ovarian cancer, familial, susceptibility to, 4. Last evaluated: 2024-03-20. Review status: criteria provided, single submitter. Criteria: Invitae Variant Classification Sherloc (09022015). Collection method: clinical testing. Allele origin: germline.

NM_002878.4(RAD51D):c.903+10C>T

Genes: RAD51D (RAD51 paralog D; minus strand), RAD51L3-RFFL (RAD51L3-RFFL readthrough; minus strand). Cytogenetic location: 17q12.
Variant type: single nucleotide variant.
Coding change: c.903+10C>T on transcript NM_002878.4 (MANE Select); 10 bases into the intron after coding-DNA position 903, C replaced by T.
Molecular consequence: intron variant.
Genome position (GRCh38, 1-based): chr17:35,101,191, G>A on the plus strand (C>T on the coding strand, the complement: RAD51D is on the minus strand). VCF-style: chr17-35101191-G-A. GRCh37 (hg19) VCF-style: chr17-33428210-G-A.
Other names: c.567+10C>T (NM_133629.3); c.963+10C>T (NM_001142571.2).
Identifiers: ClinVar variation 1587993 (VCV001587993.9), dbSNP rs1325605461, ClinGen allele CA625782451.